The following is an entry in ClinVar:

NM_006031.6(PCNT):c.8040G>A (p.Glu2680=)

Gene: PCNT (pericentrin; plus strand). Cytogenetic location: 21q22.3.
Variant type: single nucleotide variant.
Coding change: c.8040G>A on transcript NM_006031.6 (MANE Select); coding-DNA position 8040, G replaced by A.
Protein change: p.Glu2680=; no amino-acid change (glutamic acid 2680 retained).
Molecular consequence: synonymous variant.
Genome position (GRCh38, 1-based): chr21:46,430,633, G>A. VCF-style: chr21-46430633-G-A. GRCh37 (hg19) VCF-style: chr21-47850547-G-A.
Other names: c.7686G>A, p.Glu2562= (NM_001315529.2).
Identifiers: ClinVar variation 3354654 (VCV003354654.2).
Genomic context (GRCh38, chr21:46,430,633, plus strand): 5'-GAAGGGGCGTGCCCTGCAGAGCCAGCTGGAGGAGGAGCAGCTGCGGCACCTGCAGAGGGA[G>A]AGCCAGAGTGCCAAGGCCCTGGAGGTAACAGGGTGTCAGGGCAAGGCAGCCGGCATGGGC-3'
Protein context (NP_006022.3, residues 2670-2690): EEEQLRHLQR[Glu2680=]SQSAKALEEL

ClinVar aggregate classification (germline): Likely benign. Review status: criteria provided, single submitter (1 of 4 stars). 2 submissions from 2 submitters: Likely benign (1). 1 of the submissions does not count toward it. Last evaluated 2025-05-15.

Conditions:
PCNT-related disorder. Also called: PCNT-related condition.

Submissions (2):

Labcorp Genetics (formerly Invitae), Labcorp
Classification: Likely benign. Last evaluated: 2025-05-15. Review status: criteria provided, single submitter. Criteria: Invitae Variant Classification Sherloc (09022015). Collection method: clinical testing. Allele origin: germline.

PreventionGenetics, part of Exact Sciences
Classification: Likely benign for PCNT-related condition. Last evaluated: 2021-11-17. Review status: no assertion criteria provided. Collection method: clinical testing. Allele origin: germline. Not counted in ClinVar's aggregate classification.
Comment: This variant is classified as likely benign based on ACMG/AMP sequence variant interpretation guidelines (Richards et al. 2015 PMID: 25741868, with internal and published modifications).